The following is an entry in ClinVar:

NM_001183.6(ATP6AP1):c.314_316dup (p.Tyr105_Gly106insAsp)

Gene: ATP6AP1 (ATPase H+ transporting accessory protein 1; plus strand). Cytogenetic location: Xq28.
Variant type: Duplication.
Coding change: c.314_316dup on transcript NM_001183.6 (MANE Select); coding-DNA positions 314 to 316, 3 bases duplicated (ATG; older notation c.314_316dupATG).
Protein change: p.Tyr105_Gly106insAsp.
Molecular consequence: inframe insertion.
Genome position (GRCh38, 1-based): chrX:154,431,855-154,431,857, ATG duplicated. VCF-style (leftmost placement, unchanged base first): chrX-154431854-T-TATG. GRCh37 (hg19) VCF-style: chrX-153660200-T-TATG.
Identifiers: ClinVar variation 2004336 (VCV002004336.4), dbSNP rs2523016768, ClinGen allele CA2580101743.
Genomic context (GRCh38, chrX:154,431,854, plus strand): 5'-AAACCTCCTCAGATGTCTCCCCTATTTCCCTAATAGCTGAGCATTGAGGATTTCACAGCA[T>TATG]ATGGCGGTGTGTTTGGAAACAAGCAGGACAGCGCCTTTTCTAACCTAGAGGTGAGAGTCC-3'

ClinVar aggregate classification (germline): Uncertain significance (1 of 4 stars; one submission).

Submission:

Labcorp Genetics (formerly Invitae), Labcorp
Classification: Uncertain significance. Last evaluated: 2022-11-08. Review status: criteria provided, single submitter. Criteria: Invitae Variant Classification Sherloc (09022015). Collection method: clinical testing. Allele origin: germline.
Comment: In summary, the available evidence is currently insufficient to determine the role of this variant in disease. Therefore, it has been classified as a Variant of Uncertain Significance. Experimental studies and prediction algorithms are not available or were not evaluated, and the functional significance of this variant is currently unknown. This variant has not been reported in the literature in individuals affected with ATP6AP1-related conditions. This variant is not present in population databases (gnomAD no frequency). This variant, c.314_316dup, results in the insertion of 1 amino acid(s) of the ATP6AP1 protein (p.Tyr105_Gly106insAsp), but otherwise preserves the integrity of the reading frame.